The following is an entry in ClinVar:

ClinVar aggregate classification (germline): Likely benign (1 of 4 stars; one submission).

gnomAD v4.1: 1,217 of 1,598,832 alleles (0.076%); highest among the groups gnomAD compares: East Asian, 0.34%; 4 homozygotes.

Submission:

CeGaT Center for Human Genetics Tuebingen
Classification: Likely benign. Last evaluated: 2026-04-01. Review status: criteria provided, single submitter. Criteria: CeGaT Center For Human Genetics Tuebingen Variant Classification Criteria Version 2. Collection method: clinical testing. Allele origin: germline. Affected: yes. Observed: 1 variant allele.
Comment: INTS11: BP4

NM_017871.6(INTS11):c.-3A>G

Gene: INTS11 (integrator complex subunit 11; minus strand). Cytogenetic location: 1p36.33.
Variant type: single nucleotide variant.
Coding change: c.-3A>G on transcript NM_017871.6 (MANE Select); 3 bases upstream of the start codon, A replaced by G.
Molecular consequence: 5 prime UTR variant.
Genome position (GRCh38, 1-based): chr1:1,324,611, T>C on the plus strand (A>G on the coding strand, the complement: INTS11 is on the minus strand). VCF-style: chr1-1324611-T-C. GRCh37 (hg19) VCF-style: chr1-1259991-T-C.
Other names: c.-458A>G (NM_001256456.2); c.-197A>G (NM_001256460.2); c.-3A>G (NM_001256462.2, NM_001256463.2).
Identifiers: ClinVar variation 4872403 (VCV004872403.2).